The following is an entry in ClinVar:

ClinVar aggregate classification (germline): Benign. Review status: criteria provided, multiple submitters, no conflicts (2 of 4 stars). 8 submissions from 8 submitters: Benign (6). 2 of the submissions do not count toward it. Last evaluated 2026-02-04.

Conditions:
Multicentric osteolysis nodulosis arthropathy spectrum. Identifiers: Orphanet 3460, Orphanet 371428, MedGen C1850155, MONDO:0018298.

Allele frequency attached by ClinVar (database versions not stated): TOPMed 0.79533; 1000 Genomes Project 30x 0.79794; ESP Exome Variant Server 0.79932; 1000 Genomes Project 0.79992; gnomAD 0.80135 and 0.80522; gnomAD exomes 0.83699 and 0.84653; ExAC 0.83783.

Submissions (8):

Labcorp Genetics (formerly Invitae), Labcorp
Classification: Benign. Last evaluated: 2026-02-04. Review status: criteria provided, single submitter. Criteria: Invitae Variant Classification Sherloc (09022015). Collection method: clinical testing. Allele origin: germline.

Blueprint Genetics
Classification: Benign. Last evaluated: 2024-11-27. Review status: criteria provided, single submitter. Criteria: ACMG Guidelines, 2015. Collection method: clinical testing. Allele origin: germline.

Genome-Nilou Lab
Classification: Benign for Multicentric osteolysis, nodulosis, and arthropathy. Last evaluated: 2021-09-05. Review status: criteria provided, single submitter. Criteria: ACMG Guidelines, 2015. Collection method: clinical testing. Allele origin: germline. Affected: no.

GeneDx
Classification: Benign. Last evaluated: 2018-11-12. Review status: criteria provided, single submitter. Criteria: GeneDx Variant Classification Process June 2021. Collection method: clinical testing. Allele origin: germline. Affected: yes.

Illumina Laboratory Services, Illumina
Classification: Benign for Multicentric osteolysis, nodulosis, and arthropathy. Last evaluated: 2018-01-12. Review status: criteria provided, single submitter. Criteria: ICSL Variant Classification Criteria 13 December 2019. Collection method: clinical testing. Allele origin: germline.
Comment: This variant was observed in the ICSL laboratory as part of a predisposition screen in an ostensibly healthy population. It had not been previously curated by ICSL or reported in the Human Gene Mutation Database (HGMD: prior to June 1st, 2018), and was therefore a candidate for classification through an automated scoring system. Utilizing variant allele frequency, disease prevalence and penetrance estimates, and inheritance mode, an automated score was calculated to assess if this variant is too frequent to cause the disease. Based on the score and internal cut-off values, a variant classified as benign is not then subjected to further curation. The score for this variant resulted in a classification of benign for this disease.

Breakthrough Genomics
Classification: Benign. Review status: criteria provided, single submitter. Criteria: ACMG Guidelines, 2015. Collection method: not provided. Allele origin: germline. Inheritance: Autosomal recessive inheritance. Affected: yes.

Diagnostic Laboratory, Department of Genetics, University Medical Center Groningen
Classification: Benign. Review status: no assertion criteria provided. Collection method: clinical testing. Allele origin: germline. Affected: yes. Study: VKGL Data-share Consensus. Not counted in ClinVar's aggregate classification.

Joint Genome Diagnostic Labs from Nijmegen and Maastricht, Radboudumc and MUMC+
Classification: Benign. Review status: no assertion criteria provided. Collection method: clinical testing. Allele origin: germline. Affected: yes. Study: VKGL Data-share Consensus. Not counted in ClinVar's aggregate classification.

NM_004530.6(MMP2):c.1149T>C (p.Asp383=)

Gene: MMP2 (matrix metallopeptidase 2; plus strand). Cytogenetic location: 16q12.2.
Variant type: single nucleotide variant.
Coding change: c.1149T>C on transcript NM_004530.6 (MANE Select); coding-DNA position 1149, T replaced by C.
Protein change: p.Asp383=; no amino-acid change (aspartic acid 383 retained).
Molecular consequence: synonymous variant.
Genome position (GRCh38, 1-based): chr16:55,489,793, T>C. VCF-style: chr16-55489793-T-C. GRCh37 (hg19) VCF-style: chr16-55523705-T-C.
Other names: c.999T>C, p.Asp333= (NM_001127891.3); c.921T>C, p.Asp307= (NM_001302508.1, NM_001302509.2, NM_001302510.2).
Identifiers: ClinVar variation 319756 (VCV000319756.25), dbSNP rs243849, ClinGen allele CA8060319.